The following is an entry in ClinVar:

NM_198282.4(STING1):c.612G>A (p.Leu204=)

Gene: STING1 (stimulator of interferon response cGAMP interactor 1; minus strand). Cytogenetic location: 5q31.2.
Variant type: single nucleotide variant.
Coding change: c.612G>A on transcript NM_198282.4 (MANE Select); coding-DNA position 612, G replaced by A.
Protein change: p.Leu204=; no amino-acid change (leucine 204 retained).
Molecular consequence: synonymous variant.
Genome position (GRCh38, 1-based): chr5:139,478,417, C>T on the plus strand (G>A on the coding strand, the complement: STING1 is on the minus strand). VCF-style: chr5-139478417-C-T. GRCh37 (hg19) VCF-style: chr5-138858002-C-T.
Other names: c.612G>A, p.Leu204= (NM_001301738.2); c.255G>A, p.Leu85= (NM_001367258.1).
Identifiers: ClinVar variation 3716846 (VCV003716846.2).

ClinVar aggregate classification (germline): Uncertain significance (1 of 4 stars; one submission).

Conditions:
STING-associated vasculopathy with onset in infancy. Also called: Sting-associated vasculopathy, infantile-onset. Identifiers: Orphanet 425120, MedGen C4014722, MONDO:0014405, OMIM 615934.

gnomAD v4.1: 1 of 1,614,040 alleles (0.000062%); highest among the groups gnomAD compares: Non-Finnish European, 0.000085%; no homozygotes.

Submission:

Labcorp Genetics (formerly Invitae), Labcorp
Classification: Uncertain significance for STING-associated vasculopathy with onset in infancy. Last evaluated: 2025-02-17. Review status: criteria provided, single submitter. Criteria: Invitae Variant Classification Sherloc (09022015). Collection method: clinical testing. Allele origin: germline.
Comment: This sequence change affects codon 204 of the TMEM173 mRNA. It is a 'silent' change, meaning that it does not change the encoded amino acid sequence of the TMEM173 protein. This variant is not present in population databases (gnomAD no frequency). This variant has not been reported in the literature in individuals affected with TMEM173-related conditions. Algorithms developed to predict the effect of sequence changes on RNA splicing suggest that this variant may create or strengthen a splice site. In summary, the available evidence is currently insufficient to determine the role of this variant in disease. Therefore, it has been classified as a Variant of Uncertain Significance.